The following is an entry in ClinVar:

ClinVar aggregate classification (germline): Conflicting classifications of pathogenicity. Review status: criteria provided, conflicting classifications (1 of 4 stars). 5 submissions from 5 submitters: Uncertain significance (2); Likely benign (3). Last evaluated 2025-11-28.

Conditions:
Inborn genetic diseases. Identifiers: MedGen C0950123, MeSH D030342.
Congenital cataract-progressive muscular hypotonia-hearing loss-developmental delay syndrome. Also called: MITOCHONDRIAL COMPLEX DEFICIENCY, COMBINED; Myopathy with cataract and combined respiratory-chain deficiency. Identifiers: Orphanet 330054, MedGen C2751320, MONDO:0013116, OMIM 613076.

Allele frequency attached by ClinVar (database versions not stated): ExAC 0.00012; gnomAD exomes 0.00012 and 0.00026; gnomAD 0.00014; ESP Exome Variant Server 0.00015; TOPMed 0.00019.
gnomAD v4.1: 209 of 1,612,884 alleles (0.013%); highest among the groups gnomAD compares: Admixed American, 0.022%; no homozygotes.

Submissions (5):

Labcorp Genetics (formerly Invitae), Labcorp
Classification: Likely benign. Last evaluated: 2025-11-28. Review status: criteria provided, single submitter. Criteria: Invitae Variant Classification Sherloc (09022015). Collection method: clinical testing. Allele origin: germline.

Mayo Clinic Laboratories, Mayo Clinic
Classification: Likely benign. Last evaluated: 2024-11-08. Review status: criteria provided, single submitter. Criteria: ACMG Guidelines, 2015. Collection method: clinical testing. Allele origin: germline. Observed: 1 variant allele.
Comment: BS1, BP4

GeneDx
Classification: Uncertain significance. Last evaluated: 2023-04-14. Review status: criteria provided, single submitter. Criteria: GeneDx Variant Classification Process June 2021. Collection method: clinical testing. Allele origin: germline. Affected: yes.
Comment: In silico analysis supports that this missense variant does not alter protein structure/function; Has not been previously published as pathogenic or benign to our knowledge

Ambry Genetics
Classification: Likely benign for Inborn genetic diseases. Last evaluated: 2022-02-22. Review status: criteria provided, single submitter. Criteria: Ambry Variant Classification Scheme 2023. Collection method: clinical testing. Allele origin: germline.

Department of Pathology and Laboratory Medicine, Sinai Health System
Classification: Uncertain significance for Congenital cataract-progressive muscular hypotonia-hearing loss-developmental delay syndrome. Last evaluated: 2021-07-30. Review status: criteria provided, single submitter. Criteria: ACMG Guidelines, 2015. Collection method: research. Allele origin: germline.

NM_005262.3(GFER):c.536G>A (p.Arg179His)

Gene: GFER (growth factor, augmenter of liver regeneration; plus strand). Cytogenetic location: 16p13.3.
Variant type: single nucleotide variant.
Coding change: c.536G>A on transcript NM_005262.3 (MANE Select); coding-DNA position 536, G replaced by A.
Protein change: p.Arg179His; replaces arginine 179 with histidine.
Molecular consequence: missense variant.
Genome position (GRCh38, 1-based): chr16:1,985,946, G>A. VCF-style: chr16-1985946-G-A. GRCh37 (hg19) VCF-style: chr16-2035947-G-A.
Other names: p.Arg179His; c.536G>A (NM_005262.2); short protein forms R179H.
Identifiers: ClinVar variation 1592745 (VCV001592745.12), dbSNP rs199541169, ClinGen allele CA7826084.